The following is an entry in ClinVar:

NR_033294.2(SNORD118):n.80T>G

Genes: SNORD118 (small nucleolar RNA, C/D box 118; minus strand), TMEM107 (transmembrane protein 107; minus strand). Cytogenetic location: 17p13.1.
Variant type: single nucleotide variant.
Molecular consequence: non-coding transcript variant (on NR_033294.2). On other transcripts: 3 prime UTR variant (5).
Genome position: GRCh38 VCF-style: chr17-8173509-A-C. GRCh37 (hg19) VCF-style: chr17-8076827-A-C.
Other names: c.*694T>G (NM_001351278.2, NM_001351279.2, NM_001351280.2 and 2 more transcripts).
Identifiers: ClinVar variation 1484048 (VCV001484048.3), dbSNP rs374183932, ClinGen allele CA8370668.

ClinVar aggregate classification (germline): Uncertain significance (1 of 4 stars; one submission).

Allele frequency attached by ClinVar (database versions not stated): ESP Exome Variant Server 0.00017.
gnomAD v4.1: 108 of 765,254 alleles (0.014%); highest among the groups gnomAD compares: Non-Finnish European, 0.025%; no homozygotes.

Submission:

Labcorp Genetics (formerly Invitae), Labcorp
Classification: Uncertain significance. Last evaluated: 2022-07-18. Review status: criteria provided, single submitter. Criteria: Invitae Variant Classification Sherloc (09022015). Collection method: clinical testing. Allele origin: germline.
Comment: This variant occurs in the SNORD118 gene, which encodes an RNA molecule that does not result in a protein product. This variant is present in population databases (rs374183932, gnomAD 0.02%). This variant has not been reported in the literature in individuals affected with SNORD118-related conditions. ClinVar contains an entry for this variant (Variation ID: 1484048). Experimental studies and prediction algorithms are not available or were not evaluated, and the functional significance of this variant is currently unknown. In summary, the available evidence is currently insufficient to determine the role of this variant in disease. Therefore, it has been classified as a Variant of Uncertain Significance.